The following is an entry in ClinVar:

NM_001048174.2(MUTYH):c.1532C>T (p.Thr511Ile)

Gene: MUTYH (mutY DNA glycosylase; minus strand). Cytogenetic location: 1p34.1.
Variant type: single nucleotide variant.
Coding change: c.1532C>T on transcript NM_001048174.2 (MANE Select); coding-DNA position 1532, C replaced by T.
Protein change: p.Thr511Ile; replaces threonine 511 with isoleucine.
Molecular consequence: missense variant. On other transcripts: non-coding transcript variant (7).
Genome position (GRCh38, 1-based): chr1:45,329,340, G>A on the plus strand (C>T on the coding strand, the complement: MUTYH is on the minus strand). VCF-style: chr1-45329340-G-A. GRCh37 (hg19) VCF-style: chr1-45795012-G-A.
Other names: c.1535C>T, p.Thr512Ile (NM_001407071.1, NM_001407078.1, NM_001407086.1 and 1 more transcripts); c.1532C>T, p.Thr511Ile (NM_001407072.1, NM_001407073.1, NM_001407081.1 and 6 more transcripts); c.1448C>T, p.Thr483Ile (NM_001407075.1); c.1565C>T, p.Thr522Ile (NM_001407077.1, NM_001293191.2, NM_001407069.1); c.1493C>T, p.Thr498Ile (NM_001407079.1); c.1490C>T, p.Thr497Ile (NM_001407080.1); c.1187C>T, p.Thr396Ile (NM_001407082.1, NM_001350650.2, NM_001350651.2); c.1574C>T, p.Thr525Ile (NM_001407083.1, NM_001407085.1); and 5 more; short protein forms T483I, T539I, T497I, T512I, T518I, T522I, T511I, T525I.
Identifiers: ClinVar variation 4113446 (VCV004113446.1).

ClinVar aggregate classification (germline): Uncertain significance (1 of 4 stars; one submission).

Conditions:
Hereditary cancer-predisposing syndrome. Also called: Hereditary neoplastic syndrome; Neoplastic Syndromes, Hereditary; Tumor predisposition; Hereditary Cancer Syndrome. Identifiers: Orphanet 140162, MedGen C0027672, MeSH D009386, MONDO:0015356.

Submission:

Ambry Genetics
Classification: Uncertain significance for Hereditary cancer-predisposing syndrome. Last evaluated: 2025-08-27. Review status: criteria provided, single submitter. Criteria: Ambry Variant Classification Scheme 2023. Collection method: clinical testing. Allele origin: germline.
Comment: The p.T539I variant (also known as c.1616C>T), located in coding exon 16 of the MUTYH gene, results from a C to T substitution at nucleotide position 1616. The threonine at codon 539 is replaced by isoleucine, an amino acid with similar properties. This amino acid position is conserved. In addition, this alteration is predicted to be tolerated by in silico analysis. Based on the available evidence, the clinical significance of this variant remains unclear.